The following is an entry in ClinVar:

NM_014055.4(IFT81):c.1544G>A (p.Arg515His)

Gene: IFT81 (intraflagellar transport 81; plus strand). Cytogenetic location: 12q24.11.
Variant type: single nucleotide variant.
Coding change: c.1544G>A on transcript NM_014055.4 (MANE Select); coding-DNA position 1544, G replaced by A.
Protein change: p.Arg515His; replaces arginine 515 with histidine.
Molecular consequence: missense variant. On other transcripts: non-coding transcript variant (4).
Genome position (GRCh38, 1-based): chr12:110,192,693, G>A. VCF-style: chr12-110192693-G-A. GRCh37 (hg19) VCF-style: chr12-110630498-G-A.
Other names: c.1544G>A, p.Arg515His (NM_001143779.2); c.614G>A, p.Arg205His (NM_001347947.2, NM_001347948.2); c.1544G>A (NM_014055.3); short protein forms R205H, R515H.
Identifiers: ClinVar variation 1007804 (VCV001007804.6), dbSNP rs201576388, ClinGen allele CA6783393.
Genomic context (GRCh38, chr12:110,192,693, plus strand): 5'-CATTGGTATCTGAAAAGAAGTCAGCTCTTGCCTCAGTTATAAAAGAGCTACGACAGTTGC[G>A]TCAAAAATATCAAGTAAGTTTTTGATTTTATCAAGTAATTTGATTTTATGATACTTTTAG-3'
Protein context (NP_054774.2, residues 505-525): ASVIKELRQL[Arg515His]QKYQELTQEC

ClinVar aggregate classification (germline): Uncertain significance. Review status: criteria provided, multiple submitters, no conflicts (2 of 4 stars). 2 submissions from 2 submitters: Uncertain significance (2). Last evaluated 2023-09-20.

Conditions:
Inborn genetic diseases. Identifiers: MedGen C0950123, MeSH D030342.

Allele frequency attached by ClinVar (database versions not stated): gnomAD 0.00004; gnomAD exomes 0.00006 and 0.00010; ExAC 0.00007; TOPMed 0.00008; ESP Exome Variant Server 0.00009.
gnomAD v4.1: 148 of 1,566,600 alleles (0.0094%); highest among the groups gnomAD compares: Non-Finnish European, 0.012%; no homozygotes.

Submissions (2):

Ambry Genetics
Classification: Uncertain significance for Inborn genetic diseases. Last evaluated: 2023-09-20. Review status: criteria provided, single submitter. Criteria: Ambry Variant Classification Scheme 2023. Collection method: clinical testing. Allele origin: germline.

Labcorp Genetics (formerly Invitae), Labcorp
Classification: Uncertain significance. Last evaluated: 2022-07-26. Review status: criteria provided, single submitter. Criteria: Invitae Variant Classification Sherloc (09022015). Collection method: clinical testing. Allele origin: germline.
Comment: This sequence change replaces arginine, which is basic and polar, with histidine, which is basic and polar, at codon 515 of the IFT81 protein (p.Arg515His). This variant is present in population databases (rs201576388, gnomAD 0.009%). This variant has not been reported in the literature in individuals affected with IFT81-related conditions. ClinVar contains an entry for this variant (Variation ID: 1007804). Algorithms developed to predict the effect of missense changes on protein structure and function are either unavailable or do not agree on the potential impact of this missense change (SIFT: "Deleterious"; PolyPhen-2: "Probably Damaging"; Align-GVGD: "Class C0"). In summary, the available evidence is currently insufficient to determine the role of this variant in disease. Therefore, it has been classified as a Variant of Uncertain Significance.